The following is an entry in ClinVar:

ClinVar aggregate classification (germline): Conflicting classifications of pathogenicity. Review status: criteria provided, conflicting classifications (1 of 4 stars). 4 submissions from 4 submitters: Uncertain significance (2); Likely benign (2). Last evaluated 2025-07-02.

Conditions:
Cardiovascular phenotype. Identifiers: MedGen CN230736.
Arrhythmogenic cardiomyopathy with wooly hair and keratoderma. Also called: Dilated cardiomyopathy with woolly hair and keratoderma; Arrhythmogenic cardiomyopathy with woolly hair and keratoderma; PALMOPLANTAR KERATODERMA WITH LEFT VENTRICULAR CARDIOMYOPATHY AND WOOLLY HAIR; Carvajal syndrome. Identifiers: Orphanet 65282, MedGen C1854063, MONDO:0011581, OMIM 605676.
Arrhythmogenic right ventricular dysplasia 8 (ARVD8). Also called: Arrhythmogenic Right Ventricular Dysplasia/Cardiomyopathy 8; ARRHYTHMOGENIC RIGHT VENTRICULAR DYSPLASIA, FAMILIAL, 8; ARRHYTHMOGENIC RIGHT VENTRICULAR CARDIOMYOPATHY 8. Identifiers: MedGen C1843896, MONDO:0011831, OMIM 607450.

Allele frequency attached by ClinVar (database versions not stated): gnomAD 0.00001; gnomAD exomes 0.00001; TOPMed 0.00001; ESP Exome Variant Server 0.00008.

Submissions (4):

Labcorp Genetics (formerly Invitae), Labcorp
Classification: Likely benign for Arrhythmogenic cardiomyopathy with wooly hair and keratoderma; Arrhythmogenic right ventricular dysplasia 8. Last evaluated: 2025-07-02. Review status: criteria provided, single submitter. Criteria: Invitae Variant Classification Sherloc (09022015). Collection method: clinical testing. Allele origin: germline.

Ambry Genetics
Classification: Uncertain significance for Cardiovascular phenotype. Last evaluated: 2020-05-14. Review status: criteria provided, single submitter. Criteria: Ambry Variant Classification Scheme 2023. Collection method: clinical testing. Allele origin: germline.

Laboratory for Molecular Medicine, Mass General Brigham Personalized Medicine
Classification: Likely benign. Last evaluated: 2015-05-18. Review status: criteria provided, single submitter. Criteria: LMM Criteria. Collection method: clinical testing. Allele origin: germline. Observed: 2 variant alleles.
Comment: p.Thr49Ala in exon 1 of DSP: This variant is not expected to have clinical signi ficance due to a lack of conservation across species, including mammals. Of note , 3 mammals (lesser Egyptian jerboa, white rhinoceros and hedgehog shrew) have a n alanine (Ala) at this position despite moderate nearby amino acid conservation . In addition, computational prediction tools do not suggest a high likelihood o f impact to the protein.

GeneDx
Classification: Uncertain significance. Last evaluated: 2014-03-22. Review status: criteria provided, single submitter. Criteria: GeneDx Variant Classification (06012015). Collection method: clinical testing. Allele origin: germline. Affected: yes.
Comment: p.Thr49Ala (ACC>GCC): c.145 A>G in exon 1 of the DSP gene (NM_004415.2). The T49A variant has not been published as a mutation, nor has it been reported as a benign polymorphism to our knowledge. The T49A variant was not observed at a significant frequency in approximately 6400 individuals of European and African American ancestry in the NHLBI Exome Sequencing Project, indicating it is not a common benign variant in these populations. The T49A variant is a non-conservative amino acid substitution, which is likely to impact secondary protein structure as these residues differ in polarity, charge, size and/or other properties. However, this substitution occurs at a position that is not conserved across species. Additionally, in silico analysis predicts this variant likely does not alter the protein structure/function. No other missense mutations in nearby residues have been reported in association with ARVC.Therefore, based on the currently available information, it is unclear whether this variant is a pathogenic mutation or a rare benign variant. The variant is found in ARVC panel(s).

NM_004415.4(DSP):c.145A>G (p.Thr49Ala)

Genes: DSP (desmoplakin; plus strand), DSP-AS1 (DSP antisense RNA 1; minus strand). Cytogenetic location: 6p24.3.
Variant type: single nucleotide variant.
Coding change: c.145A>G on transcript NM_004415.4 (MANE Select); coding-DNA position 145, A replaced by G.
Protein change: p.Thr49Ala; replaces threonine 49 with alanine.
Molecular consequence: missense variant.
Genome position (GRCh38, 1-based): chr6:7,542,060, A>G. VCF-style: chr6-7542060-A-G. GRCh37 (hg19) VCF-style: chr6-7542293-A-G.
Other names: p.T49A:ACC>GCC; c.145A>G, p.Thr49Ala (NM_001008844.3, NM_001319034.2); short protein forms T49A.
Identifiers: ClinVar variation 44859 (VCV000044859.7), dbSNP rs142059019, ClinGen allele CA004950.